The following is an entry in ClinVar:

NM_006059.4(LAMC3):c.1557T>A (p.Ser519=)

Gene: LAMC3 (laminin subunit gamma 3; plus strand). Cytogenetic location: 9q34.12.
Variant type: single nucleotide variant.
Coding change: c.1557T>A on transcript NM_006059.4 (MANE Select); coding-DNA position 1557, T replaced by A.
Protein change: p.Ser519=; no amino-acid change (serine 519 retained).
Molecular consequence: synonymous variant.
Genome position (GRCh38, 1-based): chr9:131,049,057, T>A. VCF-style: chr9-131049057-T-A. GRCh37 (hg19) VCF-style: chr9-133924444-T-A.
Identifiers: ClinVar variation 2659624 (VCV002659624.24), dbSNP rs2490746535, ClinGen allele CA467402777.

ClinVar aggregate classification (germline): Likely benign (1 of 4 stars; one submission).

Submission:

CeGaT Center for Human Genetics Tuebingen
Classification: Likely benign. Last evaluated: 2023-08-01. Review status: criteria provided, single submitter. Criteria: CeGaT Center For Human Genetics Tuebingen Variant Classification Criteria Version 2. Collection method: clinical testing. Allele origin: germline. Affected: yes. Observed: 1 variant allele.
Comment: LAMC3: PM2:Supporting, BP4, BP7